The following is an entry in ClinVar:

ClinVar aggregate classification (germline): Uncertain significance (1 of 4 stars; one submission).

Conditions:
ALMS1-related disorder. Also called: ALMS1-related condition.

Submission:

PreventionGenetics, part of Exact Sciences
Classification: Uncertain significance for ALMS1-related condition. Last evaluated: 2025-05-27. Review status: criteria provided, single submitter. Criteria: ACMG Guidelines, 2015. Collection method: clinical testing. Allele origin: germline.
Comment: The ALMS1 c.11423A>G variant is predicted to result in the amino acid substitution p.Tyr3808Cys. To our knowledge, this variant has not been reported in the literature or in a large population database (gnomAD), indicating this variant is rare. At this time, the clinical significance of this variant is uncertain due to the absence of conclusive functional and genetic evidence.

NM_001378454.1(ALMS1):c.11420A>G (p.Lys3807Arg)

Gene: ALMS1 (ALMS1 centrosome and basal body associated protein; plus strand). Cytogenetic location: 2p13.1.
Variant type: single nucleotide variant.
Coding change: c.11420A>G on transcript NM_001378454.1 (MANE Select); coding-DNA position 11420, A replaced by G.
Protein change: p.Lys3807Arg; replaces lysine 3807 with arginine.
Molecular consequence: missense variant.
Genome position (GRCh38, 1-based): chr2:73,573,297, A>G. VCF-style: chr2-73573297-A-G. GRCh37 (hg19) VCF-style: chr2-73800424-A-G.
Other names: c.11423A>G, p.Lys3808Arg (NM_015120.4); short protein forms K3808R, K3807R.
Identifiers: ClinVar variation 4987199 (VCV004987199.1).
Genomic context (GRCh38, chr2:73,573,297, plus strand): 5'-CTGCCCGGCTGATTCAAGCTTTTGGCCATGAAAGAGTATGCTTGTCACCCAGACGAATTA[A>G]ATTATATAGCAGCATCACCAACCAACAGAGGAGATACCTTGAGAAGCGGAGCAAACACAG-3'
Protein context (NP_001365383.1, residues 3797-3817): ERVCLSPRRI[Lys3807Arg]LYSSITNQQR